The following is an entry in ClinVar:

NM_001282116.2(RFX3):c.556T>G (p.Trp186Gly)

Gene: RFX3 (regulatory factor X3; minus strand). Cytogenetic location: 9p24.2.
Variant type: single nucleotide variant.
Coding change: c.556T>G on transcript NM_001282116.2 (MANE Select); coding-DNA position 556, T replaced by G.
Protein change: p.Trp186Gly; replaces tryptophan 186 with glycine.
Molecular consequence: missense variant.
Genome position (GRCh38, 1-based): chr9:3,293,252, A>C on the plus strand (T>G on the coding strand, the complement: RFX3 is on the minus strand). VCF-style: chr9-3293252-A-C. GRCh37 (hg19) VCF-style: chr9-3293252-A-C.
Other names: c.556T>G, p.Trp186Gly (NM_001282117.2, NM_001377999.1, NM_002919.4 and 1 more transcripts); short protein forms W186G.
Identifiers: ClinVar variation 2659039 (VCV002659039.24), dbSNP rs2490150090, ClinGen allele CA372840653.
Genomic context (GRCh38, chr9:3,293,252, plus strand): 5'-TGTACAGAGTGCTTCTGGGAAGGCTCACTCCTTCTGCTGTCTCATAATTGTCCAACAGCC[A>C]CTGGAGCTAGGGAAATAAGACACAATAAACACAGACAAATCACATAATTTGCCAAAATTT-3'
Protein context (NP_001269045.1, residues 176-196): RSSLLNSHLQ[Trp186Gly]LLDNYETAEG

ClinVar aggregate classification (germline): Uncertain significance (1 of 4 stars; one submission).

Submission:

CeGaT Center for Human Genetics Tuebingen
Classification: Uncertain significance. Last evaluated: 2023-09-01. Review status: criteria provided, single submitter. Criteria: CeGaT Center For Human Genetics Tuebingen Variant Classification Criteria Version 2. Collection method: clinical testing. Allele origin: germline. Affected: yes. Observed: 1 variant allele.
Comment: RFX3: PM2, PP2, PP3